The following is an entry in ClinVar:

ClinVar aggregate classification (germline): Uncertain significance (0 of 4 stars; one submission).

Conditions:
GNAS-related disorder. Identifiers: MedGen CN380105.

Allele frequency attached by ClinVar (database versions not stated): TOPMed 0.00002; gnomAD 0.00003.
gnomAD v4.1: 17 of 1,567,026 alleles (0.0011%); highest among the groups gnomAD compares: African/African-American, 0.0013%; no homozygotes.

Submission:

PreventionGenetics, part of Exact Sciences
Classification: Uncertain significance for GNAS-related condition. Last evaluated: 2024-01-12. Review status: no assertion criteria provided. Collection method: clinical testing. Allele origin: germline.
Comment: The GNAS c.1517G>A variant is predicted to result in the amino acid substitution p.Arg506Gln. This variant can also be referred to as a precoding variant c.-36945G>A with alternative transcript (NM_000516). To our knowledge, this variant has not been reported in the literature. This variant is reported in 0.0056% of alleles in individuals of European (Non-Finnish) descent in gnomAD. At this time, the clinical significance of this variant is uncertain due to the absence of conclusive functional and genetic evidence.

NM_080425.4(GNAS):c.1517G>A (p.Arg506Gln)

Gene: GNAS (GNAS complex locus; plus strand). Cytogenetic location: 20q13.32.
Variant type: single nucleotide variant.
Coding change: c.1517G>A on transcript NM_080425.4 (MANE Plus Clinical); coding-DNA position 1517, G replaced by A.
Protein change: p.Arg506Gln; replaces arginine 506 with glutamine.
Molecular consequence: missense variant. On other transcripts: intron variant (3).
Genome position (GRCh38, 1-based): chr20:58,854,782, G>A. VCF-style: chr20-58854782-G-A. GRCh37 (hg19) VCF-style: chr20-57429837-G-A.
Other names: c.1330G>A, p.Gly444Arg (NM_001077490.3, NM_001309883.1); c.1517G>A, p.Arg506Gln (NM_001410913.1); c.*42+13896G>A (NM_016592.5); c.43+13896G>A (NM_001410912.1); c.-39+12907G>A (NM_001309861.2); short protein forms G444R, R506Q.
Identifiers: ClinVar variation 3031527 (VCV003031527.2), dbSNP rs768243057, ClinGen allele CA9926702.